The following is an entry in ClinVar:

NM_013339.4(ALG6):c.997G>C (p.Ala333Pro)

Gene: ALG6 (ALG6 alpha-1,3-glucosyltransferase; plus strand). Cytogenetic location: 1p31.3.
Variant type: single nucleotide variant.
Coding change: c.997G>C on transcript NM_013339.4 (MANE Select); coding-DNA position 997, G replaced by C.
Protein change: p.Ala333Pro; replaces alanine 333 with proline.
Molecular consequence: missense variant.
Genome position (GRCh38, 1-based): chr1:63,419,379, G>C. VCF-style: chr1-63419379-G-C. GRCh37 (hg19) VCF-style: chr1-63885050-G-C.
Other names: short protein forms A333P.
Identifiers: ClinVar variation 1430571 (VCV001430571.5), dbSNP rs1212125571, ClinGen allele CA340637841.

ClinVar aggregate classification (germline): Uncertain significance (1 of 4 stars; one submission).

Conditions:
ALG6-congenital disorder of glycosylation 1C (CDG1C). Also called: CDG Ic; CARBOHYDRATE-DEFICIENT GLYCOPROTEIN SYNDROME, TYPE I, WITH DEFICIENT GLYCOSYLATION OF DOLICHOL-LINKED OLIGOSACCHARIDE; CARBOHYDRATE-DEFICIENT GLYCOPROTEIN SYNDROME, TYPE V; Congenital disorder of glycosylation, type Ic; Congenital disorder of glycosylation type 1C. Identifiers: Orphanet 79320, MedGen C2930997, MONDO:0011291, OMIM 603147.

Allele frequency attached by ClinVar (database versions not stated): gnomAD exomes below 0.00001 and 0.00001.
gnomAD v4.1: 5 of 1,608,416 alleles (0.00031%); highest among the groups gnomAD compares: Middle Eastern, 0.017%; no homozygotes.

Submission:

Labcorp Genetics (formerly Invitae), Labcorp
Classification: Uncertain significance for ALG6-congenital disorder of glycosylation 1C. Last evaluated: 2021-08-28. Review status: criteria provided, single submitter. Criteria: Invitae Variant Classification Sherloc (09022015). Collection method: clinical testing. Allele origin: germline.
Comment: This sequence change replaces alanine with proline at codon 333 of the ALG6 protein (p.Ala333Pro). The alanine residue is moderately conserved and there is a small physicochemical difference between alanine and proline. This variant is not present in population databases (ExAC no frequency). This variant has not been reported in the literature in individuals affected with ALG6-related conditions. Algorithms developed to predict the effect of missense changes on protein structure and function are either unavailable or do not agree on the potential impact of this missense change (SIFT: "Deleterious"; PolyPhen-2: "Probably Damaging"; Align-GVGD: "Class C0"). This variant disrupts the p.Ala333 amino acid residue in ALG6. Other variant(s) that disrupt this residue have been determined to be pathogenic (PMID: 10359825, 10914684, 11106564, 20447155, 23430515, 27287710). This suggests that this residue is clinically significant, and that variants that disrupt this residue are likely to be disease-causing. In summary, the available evidence is currently insufficient to determine the role of this variant in disease. Therefore, it has been classified as a Variant of Uncertain Significance.

Literature cited by the submitters: PubMed 10359825; PubMed 10914684; PubMed 11106564; PubMed 20447155; PubMed 23430515; PubMed 27287710.